The following is an entry in ClinVar:

NM_001040142.2(SCN2A):c.3670G>T (p.Ala1224Ser)

Gene: SCN2A (sodium voltage-gated channel alpha subunit 2; plus strand). Cytogenetic location: 2q24.3.
Variant type: single nucleotide variant.
Coding change: c.3670G>T on transcript NM_001040142.2 (MANE Select); coding-DNA position 3670, G replaced by T.
Protein change: p.Ala1224Ser; replaces alanine 1224 with serine.
Molecular consequence: missense variant.
Genome position (GRCh38, 1-based): chr2:165,367,366, G>T. VCF-style: chr2-165367366-G-T. GRCh37 (hg19) VCF-style: chr2-166223876-G-T.
Other names: p.A1224S:GCT>TCT; c.3670G>T, p.Ala1224Ser (NM_001040143.2, NM_001371246.1, NM_001371247.1 and 1 more transcripts); short protein forms A1224S.
Identifiers: ClinVar variation 206989 (VCV000206989.11), dbSNP rs780330020, ClinGen allele CA317933.
Genomic context (GRCh38, chr2:165,367,366, plus strand): 5'-ATAGTGGAGCACAATTGGTTCGAAACCTTCATTGTCTTCATGATTCTGCTGAGCAGTGGG[G>T]CTCTGGTAGGTGATGCATGATCCACTCCTTCACCTTTCATCTGAAATCTTTTCCCTTTCC-3'
Protein context (NP_001035232.1, residues 1214-1234): IVFMILLSSG[Ala1224Ser]LAFEDIYIEQ

ClinVar aggregate classification (germline): Conflicting classifications of pathogenicity. Review status: criteria provided, conflicting classifications (1 of 4 stars). 3 submissions from 3 submitters: Uncertain significance (2); Likely benign (1). Last evaluated 2024-09-03.

Conditions:
Seizures, benign familial infantile, 3 (BFIS3). Also called: CONVULSIONS, BENIGN FAMILIAL INFANTILE, 3; Familial neonatal seizures. Identifiers: Orphanet 140927, Orphanet 306, MedGen C1843140, MONDO:0011904, OMIM 607745.
Developmental and epileptic encephalopathy, 11 (DEE11). Also called: Early infantile epileptic encephalopathy 11. Identifiers: Orphanet 1934, MedGen C3150987, MONDO:0013388, OMIM 613721.
Inborn genetic diseases. Identifiers: MedGen C0950123, MeSH D030342.

Allele frequency attached by ClinVar (database versions not stated): gnomAD 0.00001; TOPMed 0.00001; ExAC 0.00003; gnomAD exomes 0.00003.
gnomAD v4.1: 47 of 1,614,030 alleles (0.0029%); highest among the groups gnomAD compares: Non-Finnish European, 0.0035%; no homozygotes.

Submissions (3):

Labcorp Genetics (formerly Invitae), Labcorp
Classification: Uncertain significance for Seizures, benign familial infantile, 3; Developmental and epileptic encephalopathy, 11. Last evaluated: 2024-09-03. Review status: criteria provided, single submitter. Criteria: Invitae Variant Classification Sherloc (09022015). Collection method: clinical testing. Allele origin: germline.
Comment: This sequence change replaces alanine, which is neutral and non-polar, with serine, which is neutral and polar, at codon 1224 of the SCN2A protein (p.Ala1224Ser). This variant is present in population databases (rs780330020, gnomAD 0.006%). This missense change has been observed in individual(s) with autism spectrum disorder (PMID: 30564305). ClinVar contains an entry for this variant (Variation ID: 206989). Invitae Evidence Modeling of protein sequence and biophysical properties (such as structural, functional, and spatial information, amino acid conservation, physicochemical variation, residue mobility, and thermodynamic stability) indicates that this missense variant is expected to disrupt SCN2A protein function with a positive predictive value of 95%. In summary, the available evidence is currently insufficient to determine the role of this variant in disease. Therefore, it has been classified as a Variant of Uncertain Significance.

Ambry Genetics
Classification: Likely benign for Inborn genetic diseases. Last evaluated: 2021-06-29. Review status: criteria provided, single submitter. Criteria: Ambry Variant Classification Scheme 2023. Collection method: clinical testing. Allele origin: germline.

GeneDx
Classification: Uncertain significance. Last evaluated: 2014-10-15. Review status: criteria provided, single submitter. Criteria: GeneDx Variant Classification (06012015). Collection method: clinical testing. Allele origin: germline. Affected: yes.
Comment: p.Ala1224Ser (A1224S) GCT>TCT: c.3670 G>T in exon 19 of the SCN2A gene (NM_021007.2). The A1224S variant has not been published as a mutation, nor has it been reported as a benign polymorphism to our knowledge. It was not observed in approximately 6,500 individuals of European and African American ancestry in the NHLBI Exome Sequencing Project, indicating it is not a common benign variant in these populations. The A1224S variant is a non-conservative amino acid substitution, which is likely to impact secondary protein structure as these residues differ in polarity, size, and/or other properties. This substitution alters a highly conserved residue in the predicted transmembrane segment S1 in the third homologous domain of the SCN2A protein. Additionally, in silico analysis predicts this variant is probably damaging to the protein structure/function. However, missense mutations in nearby residues have not been reported in association with SCN2A-related disorders. Therefore, based on the currently available information, it is unclear whether this variant is a pathogenic mutation or a rare benign variant. The variant is found in CHILD-EPI panel(s).

Literature cited by the submitters: PubMed 30564305 (cited by Labcorp Genetics (formerly Invitae), Labcorp).